The following is an entry in ClinVar:

ClinVar aggregate classification (germline): Uncertain significance (1 of 4 stars; one submission).

Conditions:
PURA-related severe neonatal hypotonia-seizures-encephalopathy syndrome (NEDRIHF). Also called: NEURODEVELOPMENTAL DISORDER WITH NEONATAL RESPIRATORY INSUFFICIENCY, HYPOTONIA, AND FEEDING DIFFICULTIES; PURA-Related Neurodevelopmental Disorders. Identifiers: Orphanet 438213, Orphanet 438216, MedGen C4015357, MONDO:1060108, OMIM 616158, MONDO:0018580.

Allele frequency attached by ClinVar (database versions not stated): gnomAD exomes below 0.00001.

Submission:

Labcorp Genetics (formerly Invitae), Labcorp
Classification: Uncertain significance for PURA-related severe neonatal hypotonia-seizures-encephalopathy syndrome. Last evaluated: 2020-07-16. Review status: criteria provided, single submitter. Criteria: Invitae Variant Classification Sherloc (09022015). Collection method: clinical testing. Allele origin: germline.
Comment: This sequence change replaces threonine with isoleucine at codon 225 of the PURA protein (p.Thr225Ile). The threonine residue is highly conserved and there is a moderate physicochemical difference between threonine and isoleucine. This variant is not present in population databases (ExAC no frequency). In summary, the available evidence is currently insufficient to determine the role of this variant in disease. Therefore, it has been classified as a Variant of Uncertain Significance. Algorithms developed to predict the effect of missense changes on protein structure and function are either unavailable or do not agree on the potential impact of this missense change (SIFT: "Deleterious"; PolyPhen-2: "Possibly Damaging"; Align-GVGD: "Class C0"). This variant has not been reported in the literature in individuals with PURA-related conditions.

NM_005859.5(PURA):c.674C>T (p.Thr225Ile)

Gene: PURA (purine rich element binding protein A; plus strand). Cytogenetic location: 5q31.3.
Variant type: single nucleotide variant.
Coding change: c.674C>T on transcript NM_005859.5 (MANE Select); coding-DNA position 674, C replaced by T.
Protein change: p.Thr225Ile; replaces threonine 225 with isoleucine.
Molecular consequence: missense variant.
Genome position (GRCh38, 1-based): chr5:140,114,855, C>T. VCF-style: chr5-140114855-C-T. GRCh37 (hg19) VCF-style: chr5-139494440-C-T.
Other names: short protein forms T225I.
Identifiers: ClinVar variation 1000091 (VCV001000091.9), dbSNP rs1763053031, ClinGen allele CA361491286.